The following is an entry in ClinVar:

ClinVar aggregate classification (germline): Pathogenic (1 of 4 stars; one submission).

Conditions:
RYR1-related disorder. Also called: RYR1-related condition; RYR1-related disorders. Identifiers: MedGen CN239331.

Submission:

Labcorp Genetics (formerly Invitae), Labcorp
Classification: Pathogenic for RYR1-related disorder. Last evaluated: 2024-07-21. Review status: criteria provided, single submitter. Criteria: Invitae Variant Classification Sherloc (09022015). Collection method: clinical testing. Allele origin: germline.
Comment: This sequence change creates a premature translational stop signal (p.Leu2273Profs*10) in the RYR1 gene. It is expected to result in an absent or disrupted protein product. Loss-of-function variants in RYR1 are known to be pathogenic (PMID: 23919265, 25960145, 28818389, 30611313). This variant is not present in population databases (gnomAD no frequency). This variant has not been reported in the literature in individuals affected with RYR1-related conditions. For these reasons, this variant has been classified as Pathogenic.

Literature cited by the submitters: PubMed 23919265; PubMed 25960145; PubMed 28818389; PubMed 30611313.

NM_000540.3(RYR1):c.6817dup (p.Leu2273fs)

Gene: RYR1 (ryanodine receptor 1; plus strand). Cytogenetic location: 19q13.2.
Variant type: Duplication.
Coding change: c.6817dup on transcript NM_000540.3 (MANE Select); coding-DNA position 6817, one base duplicated (C; older notation c.6817dupC).
Protein change: p.Leu2273fs; shifts the reading frame from leucine 2273.
Molecular consequence: frameshift variant.
Genome position (GRCh38, 1-based): chr19:38,496,880, C duplicated; the last of 4 consecutive C bases (chr19:38,496,877-38,496,880); duplicating any one gives the same sequence. VCF-style (leftmost placement, unchanged base first): chr19-38496876-G-GC. GRCh37 (hg19) VCF-style: chr19-38987516-G-GC.
Other names: c.6817dup, p.Leu2273fs (NM_001042723.2); short protein forms L2273fs.
Identifiers: ClinVar variation 3660109 (VCV003660109.2).